The following is an entry in ClinVar:

ClinVar aggregate classification (germline): Uncertain significance (1 of 4 stars; one submission).

Conditions:
MAGEL2-related disorder. Also called: MAGEL2-related condition.

gnomAD v4.1: 5 of 1,377,866 alleles (0.00036%); highest among the groups gnomAD compares: Non-Finnish European, 0.00047%; no homozygotes.

Submission:

PreventionGenetics, part of Exact Sciences
Classification: Uncertain significance for MAGEL2-related condition. Last evaluated: 2026-08-25. Review status: criteria provided, single submitter. Criteria: ACMG Guidelines, 2015. Collection method: clinical testing. Allele origin: germline.
Comment: The MAGEL2 c.1625T>G variant is predicted to result in the amino acid substitution p.Val542Gly. To our knowledge, this variant has not been reported in the literature or in a large population database (gnomAD), indicating this variant is rare. At this time, the clinical significance of this variant is uncertain due to the absence of conclusive functional and genetic evidence.

NM_019066.5(MAGEL2):c.1625T>G (p.Val542Gly)

Gene: MAGEL2 (MAGE family member L2; minus strand). Cytogenetic location: 15q11.2.
Variant type: single nucleotide variant.
Coding change: c.1625T>G on transcript NM_019066.5 (MANE Select); coding-DNA position 1625, T replaced by G.
Protein change: p.Val542Gly; replaces valine 542 with glycine.
Molecular consequence: missense variant.
Genome position (GRCh38, 1-based): chr15:23,646,118, A>C on the plus strand (T>G on the coding strand, the complement: MAGEL2 is on the minus strand). VCF-style: chr15-23646118-A-C. GRCh37 (hg19) VCF-style: chr15-23891265-A-C.
Other names: short protein forms V542G.
Identifiers: ClinVar variation 4990941 (VCV004990941.1).